The following is an entry in ClinVar:

ClinVar aggregate classification (germline): Uncertain significance. Review status: criteria provided, multiple submitters, no conflicts (2 of 4 stars). 3 submissions from 3 submitters: Uncertain significance (3). Last evaluated 2024-02-05.

Conditions:
Axenfeld-Rieger syndrome type 3 (RIEG3). Also called: AXENFELD-RIEGER ANOMALY WITH CARDIAC DEFECTS AND/OR SENSORINEURAL HEARING LOSS. Identifiers: Orphanet 782, MedGen C2678503, MONDO:0011233, OMIM 602482.
Anterior segment dysgenesis 3 (ASGD3). Also called: IRIDOGONIODYSGENESIS ANOMALY, AUTOSOMAL DOMINANT; Glaucoma iridogoniodysplasia, familial. Identifiers: Orphanet 91483, MedGen C5975707, MONDO:0024456, OMIM 601631.

Allele frequency attached by ClinVar (database versions not stated): gnomAD exomes below 0.00001 and 0.00002; TOPMed below 0.00001; ExAC 0.00016.
gnomAD v4.1: 6 of 1,426,056 alleles (0.00042%); highest among the groups gnomAD compares: Middle Eastern, 0.046%; no homozygotes.

Submissions (3):

Fulgent Genetics
Classification: Uncertain significance for Anterior segment dysgenesis 3; Axenfeld-Rieger syndrome type 3. Last evaluated: 2024-02-05. Review status: criteria provided, single submitter. Criteria: ACMG Guidelines, 2015. Collection method: clinical testing. Allele origin: germline.

Labcorp Genetics (formerly Invitae), Labcorp
Classification: Uncertain significance for Axenfeld-Rieger syndrome type 3. Last evaluated: 2023-12-09. Review status: criteria provided, single submitter. Criteria: Invitae Variant Classification Sherloc (09022015). Collection method: clinical testing. Allele origin: germline.
Comment: This sequence change replaces proline, which is neutral and non-polar, with serine, which is neutral and polar, at codon 416 of the FOXC1 protein (p.Pro416Ser). The frequency data for this variant in the population databases is considered unreliable, as metrics indicate poor data quality at this position in the gnomAD database. This variant has not been reported in the literature in individuals affected with FOXC1-related conditions. ClinVar contains an entry for this variant (Variation ID: 1407296). An algorithm developed to predict the effect of missense changes on protein structure and function (PolyPhen-2) suggests that this variant is likely to be tolerated. In summary, the available evidence is currently insufficient to determine the role of this variant in disease. Therefore, it has been classified as a Variant of Uncertain Significance.

Breakthrough Genomics
Classification: Uncertain significance. Review status: criteria provided, single submitter. Criteria: ACMG Guidelines, 2015. Collection method: not provided. Allele origin: germline. Inheritance: Autosomal dominant inheritance. Affected: yes.

NM_001453.3(FOXC1):c.1246C>T (p.Pro416Ser)

Gene: FOXC1 (forkhead box C1; plus strand). Cytogenetic location: 6p25.3.
Variant type: single nucleotide variant.
Coding change: c.1246C>T on transcript NM_001453.3 (MANE Select); coding-DNA position 1246, C replaced by T.
Protein change: p.Pro416Ser; replaces proline 416 with serine.
Molecular consequence: missense variant.
Genome position (GRCh38, 1-based): chr6:1,611,691, C>T. VCF-style: chr6-1611691-C-T. GRCh37 (hg19) VCF-style: chr6-1611926-C-T.
Other names: short protein forms P416S.
Identifiers: ClinVar variation 1407296 (VCV001407296.9), dbSNP rs772035500, ClinGen allele CA3614879.
Genomic context (GRCh38, chr6:1,611,691, plus strand): 5'-AACCTGCAAGCCATGAGCCTGTACGCGGCCGGCGAGCGCGGGGGCCACTTGCAGGGCGCG[C>T]CCGGGGGCGCGGGCGGCTCGGCCGTGGACGACCCCCTGCCCGACTACTCTCTGCCTCCGG-3'
Protein context (NP_001444.2, residues 406-426): GERGGHLQGA[Pro416Ser]GGAGGSAVDD